The following is an entry in ClinVar:

NM_001201543.2(FAM161A):c.415T>C (p.Ser139Pro)

Gene: FAM161A (FAM161 centrosomal protein A; minus strand). Cytogenetic location: 2p15.
Variant type: single nucleotide variant.
Coding change: c.415T>C on transcript NM_001201543.2 (MANE Select); coding-DNA position 415, T replaced by C.
Protein change: p.Ser139Pro; replaces serine 139 with proline.
Molecular consequence: missense variant. On other transcripts: non-coding transcript variant (1).
Genome position (GRCh38, 1-based): chr2:61,842,129, A>G on the plus strand (T>C on the coding strand, the complement: FAM161A is on the minus strand). VCF-style: chr2-61842129-A-G. GRCh37 (hg19) VCF-style: chr2-62069264-A-G.
Other names: c.415T>C, p.Ser139Pro (NM_032180.3); short protein forms S139P.
Identifiers: ClinVar variation 2157209 (VCV002157209.1), dbSNP rs2466033363, ClinGen allele CA346989222.

ClinVar aggregate classification (germline): Uncertain significance (1 of 4 stars; one submission).

Allele frequency attached by ClinVar (database versions not stated): gnomAD exomes below 0.00001.
gnomAD v4.1: 2 of 1,551,812 alleles (0.00013%); highest among the groups gnomAD compares: Non-Finnish European, 0.00018%; no homozygotes.

Submission:

Labcorp Genetics (formerly Invitae), Labcorp
Classification: Uncertain significance. Last evaluated: 2022-03-21. Review status: criteria provided, single submitter. Criteria: Invitae Variant Classification Sherloc (09022015). Collection method: clinical testing. Allele origin: germline.
Comment: This sequence change replaces serine, which is neutral and polar, with proline, which is neutral and non-polar, at codon 139 of the FAM161A protein (p.Ser139Pro). This variant is not present in population databases (gnomAD no frequency). This variant has not been reported in the literature in individuals affected with FAM161A-related conditions. Algorithms developed to predict the effect of missense changes on protein structure and function are either unavailable or do not agree on the potential impact of this missense change (SIFT: "Tolerated"; PolyPhen-2: "Probably Damaging"; Align-GVGD: "Class C0"). In summary, the available evidence is currently insufficient to determine the role of this variant in disease. Therefore, it has been classified as a Variant of Uncertain Significance.